The following is an entry in ClinVar:

NM_000094.4(COL7A1):c.5819C>T (p.Pro1940Leu)

Gene: COL7A1 (collagen type VII alpha 1 chain; minus strand). Cytogenetic location: 3p21.31.
Variant type: single nucleotide variant.
Coding change: c.5819C>T on transcript NM_000094.4 (MANE Select); coding-DNA position 5819, C replaced by T.
Protein change: p.Pro1940Leu; replaces proline 1940 with leucine.
Molecular consequence: missense variant.
Genome position (GRCh38, 1-based): chr3:48,576,250, G>A on the plus strand (C>T on the coding strand, the complement: COL7A1 is on the minus strand). VCF-style: chr3-48576250-G-A. GRCh37 (hg19) VCF-style: chr3-48613683-G-A.
Other names: short protein forms P1940L.
Identifiers: ClinVar variation 449002 (VCV000449002.26), dbSNP rs149267939, ClinGen allele CA2379313.
Genomic context (GRCh38, chr3:48,576,250, plus strand): 5'-AAGGTGGCCCCAATGGGCATGCAAAACAGAGTCAAGGGGACATCCCAAGCCTGGCTCACC[G>A]GCACACTTCCAGGCTCTCCTCGCAGGCCACGCTCTCCAGGGAGGCCCTGGAGAGATGAAG-3'
Protein context (NP_000085.1, residues 1930-1950): RGLRGEPGSV[Pro1940Leu]NVDRLLETAG

ClinVar aggregate classification (germline): Conflicting classifications of pathogenicity. Review status: criteria provided, conflicting classifications (1 of 4 stars). 7 submissions from 7 submitters: Uncertain significance (2); Benign (1); Likely benign (1). 3 of the submissions do not count toward it. Last evaluated 2026-09-01.

Conditions:
COL7A1-related disorder. Also called: COL7A1- related disorders; COL7A1-related condition.
Epidermolysis bullosa dystrophica. Also called: Dystrophic epidermolysis bullosa, Hallopeau-Siemens type (formerly); Dystrophic epidermolysis bullosa. Identifiers: Orphanet 303, MedGen C0079294, MONDO:0006543.
Epidermolysis bullosa dystrophica inversa, autosomal recessive. Identifiers: MedGen C2673612.

Allele frequency attached by ClinVar (database versions not stated): 1000 Genomes Project 30x 0.00031; 1000 Genomes Project 0.00040; TOPMed 0.00074; ESP Exome Variant Server 0.00085; ExAC 0.00090; gnomAD 0.00098; gnomAD exomes 0.00101 and 0.00159.
gnomAD v4.1: 2,467 of 1,613,652 alleles (0.15%); highest among the groups gnomAD compares: Non-Finnish European, 0.18%; 5 homozygotes.

Submissions (7):

CeGaT Center for Human Genetics Tuebingen
Classification: Likely benign. Last evaluated: 2026-09-01. Review status: criteria provided, single submitter. Criteria: CeGaT Center For Human Genetics Tuebingen Variant Classification Criteria Version 2. Collection method: clinical testing. Allele origin: germline. Affected: yes. Observed: 2 variant alleles.
Comment: COL7A1: BP4, BS2

Labcorp Genetics (formerly Invitae), Labcorp
Classification: Benign. Last evaluated: 2026-02-02. Review status: criteria provided, single submitter. Criteria: Invitae Variant Classification Sherloc (09022015). Collection method: clinical testing. Allele origin: germline.

GeneDx
Classification: Uncertain significance. Last evaluated: 2022-02-18. Review status: criteria provided, single submitter. Criteria: GeneDx Variant Classification Process June 2021. Collection method: clinical testing. Allele origin: germline. Affected: yes.
Comment: In silico analysis supports that this missense variant does not alter protein structure/function; This variant is associated with the following publications: (PMID: 16971478, 31001817, 34426522, 28523885, 32506467)

Illumina Laboratory Services, Illumina
Classification: Uncertain significance for Dystrophic epidermolysis bullosa. Last evaluated: 2017-04-27. Review status: criteria provided, single submitter. Criteria: ICSL Variant Classification Criteria 13 December 2019. Collection method: clinical testing. Allele origin: germline.

PreventionGenetics, part of Exact Sciences
Classification: Likely benign for COL7A1-related condition. Last evaluated: 2023-12-26. Review status: no assertion criteria provided. Collection method: clinical testing. Allele origin: germline. Not counted in ClinVar's aggregate classification.
Comment: This variant is classified as likely benign based on ACMG/AMP sequence variant interpretation guidelines (Richards et al. 2015 PMID: 25741868, with internal and published modifications).

Natera, Inc.
Classification: Benign for Autosomal recessive epidermolysis bullosa dystrophica inversa. Last evaluated: 2020-01-12. Review status: no assertion criteria provided. Collection method: clinical testing. Allele origin: germline. Not counted in ClinVar's aggregate classification.

Department of Pathology and Laboratory Medicine, Sinai Health System
Classification: Uncertain significance. Review status: no assertion criteria provided. Collection method: clinical testing. Allele origin: unknown. Affected: yes. Study: The Canadian Open Genetics Repository (COGR). Not counted in ClinVar's aggregate classification.
Comment: The COL7A1 p.Pro1940Leu variant was identified in two individuals with recessive dystrophic epidermolysis bullosa (Varki_2007_PMID:16971478; Heinecke_2017_PMID:28523885). The variant was identified in dbSNP (ID: rs149267939) and ClinVar (classified as uncertain significance by GeneDx and benign by Invitae). The variant was identified in control databases in 288 of 282184 chromosomes (1 homozygous) at a frequency of 0.001021 increasing the likelihood this could be a low frequency benign variant (Genome Aggregation Database March 6, 2019, v2.1.1). The variant was observed in the following populations: European (Finnish) in 61 of 25098 chromosomes (freq: 0.00243), European (non-Finnish) in 180 of 128678 chromosomes (freq: 0.001399), Latino in 31 of 35412 chromosomes (freq: 0.000875), Other in 6 of 7206 chromosomes (freq: 0.000833), African in 8 of 24898 chromosomes (freq: 0.000321) and South Asian in 2 of 30608 chromosomes (freq: 0.000065), but was not observed in the Ashkenazi Jewish or East Asian populations. The p.Pro1940 residue is not conserved in mammals and computational analyses (PolyPhen-2, SIFT, AlignGVGD, BLOSUM, MutationTaster) do not suggest a high likelihood of impact to the protein; however this information is not predictive to rule out pathogenicity. The p.Pro1940Leu variant occurs in the second last base of the exon. This position has been shown to be part of the splicing consensus sequence and variants involving this position sometimes affect splicing. However, in silico or computational prediction software programs (SpliceSiteFinder, MaxEntScan, NNSPLICE, GeneSplicer) do not predict a difference in splicing. In summary, based on the above information the clinical significance of this variant cannot be determined with certainty at this time. This variant is classified as a variant of uncertain significance.